The following is an entry in ClinVar:

NM_000222.3(KIT):c.1522T>G (p.Phe508Val)

Gene: KIT (KIT proto-oncogene, receptor tyrosine kinase; plus strand). Cytogenetic location: 4q12.
Variant type: single nucleotide variant.
Coding change: c.1522T>G on transcript NM_000222.3 (MANE Select); coding-DNA position 1522, T replaced by G.
Protein change: p.Phe508Val; replaces phenylalanine 508 with valine.
Molecular consequence: missense variant.
Genome position (GRCh38, 1-based): chr4:54,726,032, T>G. VCF-style: chr4-54726032-T-G. GRCh37 (hg19) VCF-style: chr4-55592198-T-G.
Other names: c.1522T>G, p.Phe508Val (NM_001093772.2, NM_001385285.1, NM_001385286.1); c.1525T>G, p.Phe509Val (NM_001385284.1, NM_001385288.1, NM_001385290.1 and 1 more transcripts); short protein forms F509V, F508V.
Identifiers: ClinVar variation 3534722 (VCV003534722.1).

ClinVar aggregate classification (germline): Uncertain significance (1 of 4 stars; one submission).

Conditions:
Hereditary cancer-predisposing syndrome. Also called: Hereditary Cancer Syndrome; Hereditary neoplastic syndrome; Tumor predisposition; Neoplastic Syndromes, Hereditary. Identifiers: Orphanet 140162, MedGen C0027672, MeSH D009386, MONDO:0015356.

Submission:

Ambry Genetics
Classification: Uncertain significance for Hereditary cancer-predisposing syndrome. Last evaluated: 2024-10-19. Review status: criteria provided, single submitter. Criteria: Ambry Variant Classification Scheme 2023. Collection method: clinical testing. Allele origin: germline.
Comment: The p.F508V variant (also known as c.1522T>G), located in coding exon 9 of the KIT gene, results from a T to G substitution at nucleotide position 1522. The phenylalanine at codon 508 is replaced by valine, an amino acid with highly similar properties. This amino acid position is conserved. In addition, this alteration is predicted to be tolerated by in silico analysis. Based on the available evidence, the clinical significance of this variant remains unclear.